The following is an entry in ClinVar:

NM_022051.3(EGLN1):c.290C>T (p.Ala97Val)

Gene: EGLN1 (egl-9 family hypoxia inducible factor 1; minus strand). Cytogenetic location: 1q42.2.
Variant type: single nucleotide variant.
Coding change: c.290C>T on transcript NM_022051.3 (MANE Select); coding-DNA position 290, C replaced by T.
Protein change: p.Ala97Val; replaces alanine 97 with valine.
Molecular consequence: missense variant.
Genome position (GRCh38, 1-based): chr1:231,421,599, G>A on the plus strand (C>T on the coding strand, the complement: EGLN1 is on the minus strand). VCF-style: chr1-231421599-G-A. GRCh37 (hg19) VCF-style: chr1-231557345-G-A.
Other names: c.290C>T, p.Ala97Val (NM_001377260.1, NM_001377261.1); short protein forms A97V.
Identifiers: ClinVar variation 4247375 (VCV004247375.1).

ClinVar aggregate classification (germline): Uncertain significance (1 of 4 stars; one submission).

Submission:

Ambry Genetics
Classification: Uncertain significance. Last evaluated: 2025-08-29. Review status: criteria provided, single submitter. Criteria: Ambry Variant Classification Scheme 2023. Collection method: clinical testing. Allele origin: germline.
Comment: The p.A97V variant (also known as c.290C>T), located in coding exon 1 of the EGLN1 gene, results from a C to T substitution at nucleotide position 290. The alanine at codon 97 is replaced by valine, an amino acid with similar properties. This amino acid position is conserved. In addition, this alteration is predicted to be tolerated by in silico analysis. Based on the available evidence, the clinical significance of this variant remains unclear.